The following is an entry in ClinVar:

ClinVar aggregate classification (germline): Pathogenic (1 of 4 stars; one submission).

Conditions:
Hereditary cancer-predisposing syndrome. Also called: Neoplastic Syndromes, Hereditary; Tumor predisposition; Hereditary Cancer Syndrome; Hereditary neoplastic syndrome. Identifiers: Orphanet 140162, MedGen C0027672, MeSH D009386, MONDO:0015356.

Submission:

Ambry Genetics
Classification: Pathogenic for Hereditary cancer-predisposing syndrome. Last evaluated: 2018-04-06. Review status: criteria provided, single submitter. Criteria: Ambry Variant Classification Scheme 2023. Collection method: clinical testing. Allele origin: germline.
Comment: The c.3559delG pathogenic mutation, located in coding exon 7 of the MSH6 gene, results from a deletion of one nucleotide at nucleotide position 3559, causing a translational frameshift with a predicted alternate stop codon (p.E1187Kfs*8). This alteration is expected to result in loss of function by premature protein truncation or nonsense-mediated mRNA decay. As such, this alteration is interpreted as a disease-causing mutation.

NM_000179.3(MSH6):c.3559del (p.Glu1187fs)

Gene: MSH6 (mutS homolog 6; plus strand). Cytogenetic location: 2p16.3.
Variant type: Deletion.
Coding change: c.3559del on transcript NM_000179.3 (MANE Select); coding-DNA position 3559, one base deleted (G; older notation c.3559delG).
Protein change: p.Glu1187fs; shifts the reading frame from glutamic acid 1187.
Molecular consequence: frameshift variant.
Genome position (GRCh38, 1-based): chr2:47,805,620, G deleted. VCF-style (leftmost placement, unchanged base first): chr2-47805619-TG-T. GRCh37 (hg19) VCF-style: chr2-48032758-TG-T.
Other names: c.3169del, p.Glu1057fs (NM_001281492.2); c.2653del, p.Glu885fs (NM_001281493.2, NM_001281494.2); c.3655delG, p.Glu1219Lysfs (NM_001406795.1, NM_001406802.1); c.3559delG, p.Glu1187Lysfs (NM_001406796.1, NM_001406800.1, NM_001406808.1 and 1 more transcripts); c.3262delG, p.Glu1088Lysfs (NM_001406797.1, NM_001406801.1, NM_001406805.1 and 10 more transcripts); c.3385delG, p.Glu1129Lysfs (NM_001406798.1); c.3034delG, p.Glu1012Lysfs (NM_001406799.1, NM_001406806.1, NM_001406807.1); c.2695delG, p.Glu899Lysfs (NM_001406803.1); and 8 more; short protein forms E885fs, E1057fs, E1187fs.
Identifiers: ClinVar variation 1732666 (VCV001732666.2), dbSNP rs2530820823, ClinGen allele CA2580067224.